The following is an entry in ClinVar:

NM_005219.5(DIAPH1):c.2188C>T (p.Pro730Ser)

Gene: DIAPH1 (diaphanous related formin 1; minus strand). Cytogenetic location: 5q31.3.
Variant type: single nucleotide variant.
Coding change: c.2188C>T on transcript NM_005219.5 (MANE Select); coding-DNA position 2188, C replaced by T.
Protein change: p.Pro730Ser; replaces proline 730 with serine.
Molecular consequence: missense variant.
Genome position (GRCh38, 1-based): chr5:141,573,662, G>A on the plus strand (C>T on the coding strand, the complement: DIAPH1 is on the minus strand). VCF-style: chr5-141573662-G-A. GRCh37 (hg19) VCF-style: chr5-140953229-G-A.
Other names: c.2161C>T, p.Pro721Ser (NM_001079812.3); c.2188C>T, p.Pro730Ser (NM_001314007.2); short protein forms P721S, P730S.
Identifiers: ClinVar variation 3362261 (VCV003362261.3).

ClinVar aggregate classification (germline): Uncertain significance (1 of 4 stars; one submission).

Conditions:
Progressive microcephaly-seizures-cortical blindness-developmental delay syndrome. Also called: Seizures, cortical blindness, and microcephaly syndrome. Identifiers: Orphanet 477814, MedGen C5567650, MONDO:0014714, OMIM 616632.

gnomAD v4.1: 1 of 1,611,802 alleles (0.000062%); highest among the groups gnomAD compares: Non-Finnish European, 0.000085%; no homozygotes.

Submission:

Neuberg Centre For Genomic Medicine, NCGM
Classification: Uncertain significance for Progressive microcephaly-seizures-cortical blindness-developmental delay syndrome. Last evaluated: 2023-05-20. Review status: criteria provided, single submitter. Criteria: ACMG Guidelines, 2015. Collection method: clinical testing. Allele origin: germline. Inheritance: Autosomal recessive inheritance. Affected: yes.
Comment: The missense c.2188C>T (p.Pro730Ser) variant in the DIAPH1 gene has not been reported previously as a pathogenic variant nor as a benign variant, to our knowledge. This variant is absent in the gnomAD Exomes. The amino acid Proline at position 730 is changed to a Serine changing protein sequence and it might alter its composition and physico-chemical properties. Computational evidence (Polyphen - Damaging, SIFT - Tolerated and MutationTaster - Disease causing) predicts conflicting evidence on protein structure and function for this variant. The amino acid Proline in DIAPH1 is predicted as conserved by GERP++ and PhyloP across 100 vertebrates. For these reasons, this variant has been classified as Uncertain Significance.